The following is an entry in ClinVar:

NM_000414.4(HSD17B4):c.1819C>T (p.Pro607Ser)

Gene: HSD17B4 (hydroxysteroid 17-beta dehydrogenase 4; plus strand). Cytogenetic location: 5q23.1.
Variant type: single nucleotide variant.
Coding change: c.1819C>T on transcript NM_000414.4 (MANE Select); coding-DNA position 1819, C replaced by T.
Protein change: p.Pro607Ser; replaces proline 607 with serine.
Molecular consequence: missense variant. On other transcripts: non-coding transcript variant (2).
Genome position (GRCh38, 1-based): chr5:119,529,945, C>T. VCF-style: chr5-119529945-C-T. GRCh37 (hg19) VCF-style: chr5-118865640-C-T.
Other names: c.1894C>T, p.Pro632Ser (NM_001199291.3); c.1765C>T, p.Pro589Ser (NM_001199292.2); c.1747C>T, p.Pro583Ser (NM_001292027.2, NM_001374498.1); c.1399C>T, p.Pro467Ser (NM_001292028.2); c.1810C>T, p.Pro604Ser (NM_001374497.1); c.1492C>T, p.Pro498Ser (NM_001374499.1); c.1378C>T, p.Pro460Ser (NM_001374500.1); c.1408C>T, p.Pro470Ser (NM_001374501.1, NM_001374502.1, NM_001374503.1); and 1 more; short protein forms P460S, P470S, P604S, P607S, P632S, P467S, P589S, P498S.
Identifiers: ClinVar variation 1900795 (VCV001900795.3), dbSNP rs774766165, ClinGen allele CA3382409.
Genomic context (GRCh38, chr5:119,529,945, plus strand): 5'-CCTCCTAAGGTCCAAGAAACTGGAGACATTGTCATTTCAAATGCATATGTGGATCTTGCA[C>T]CAACATCTGGTACTTCAGCTAAGACACCCTCTGAGGTAGGTTATAAAAATTAGTATCCAA-3'
Protein context (NP_000405.1, residues 597-617): VISNAYVDLA[Pro607Ser]TSGTSAKTPS

ClinVar aggregate classification (germline): Uncertain significance. Review status: criteria provided, multiple submitters, no conflicts (2 of 4 stars). 2 submissions from 2 submitters: Uncertain significance (2). Last evaluated 2024-12-09.

Conditions:
Perrault syndrome. Also called: Gonadal dysgenesis with auditory dysfunction, autosomal recessive inheritance. Identifiers: Orphanet 2855, MedGen C0685838, MONDO:0017312.
Bifunctional peroxisomal enzyme deficiency (DBIF). Also called: DBP DEFICIENCY; PBFE DEFICIENCY; D-bifunctional protein deficiency. Identifiers: Orphanet 300, MedGen C0342870, MONDO:0009855, OMIM 261515. Disease mechanism: loss of function.

Allele frequency attached by ClinVar (database versions not stated): ExAC 0.00001; gnomAD 0.00001; gnomAD exomes 0.00001; TOPMed 0.00001.
gnomAD v4.1: 14 of 1,610,078 alleles (0.00087%); highest among the groups gnomAD compares: South Asian, 0.0022%; no homozygotes.

Submissions (2):

GeneDx
Classification: Uncertain significance. Last evaluated: 2024-12-09. Review status: criteria provided, single submitter. Criteria: GeneDx Variant Classification Process June 2021. Collection method: clinical testing. Allele origin: germline. Affected: yes.
Comment: Not observed at significant frequency in large population cohorts (gnomAD); In silico analysis indicates that this missense variant does not alter protein structure/function; Has not been previously published as pathogenic or benign to our knowledge

Labcorp Genetics (formerly Invitae), Labcorp
Classification: Uncertain significance for Perrault syndrome; Bifunctional peroxisomal enzyme deficiency. Last evaluated: 2022-07-11. Review status: criteria provided, single submitter. Criteria: Invitae Variant Classification Sherloc (09022015). Collection method: clinical testing. Allele origin: germline.
Comment: This sequence change replaces proline, which is neutral and non-polar, with serine, which is neutral and polar, at codon 607 of the HSD17B4 protein (p.Pro607Ser). This variant is present in population databases (rs774766165, gnomAD 0.003%). This variant has not been reported in the literature in individuals affected with HSD17B4-related conditions. Advanced modeling of protein sequence and biophysical properties (such as structural, functional, and spatial information, amino acid conservation, physicochemical variation, residue mobility, and thermodynamic stability) performed at Invitae indicates that this missense variant is not expected to disrupt HSD17B4 protein function. In summary, the available evidence is currently insufficient to determine the role of this variant in disease. Therefore, it has been classified as a Variant of Uncertain Significance.